The following is an entry in ClinVar:

NM_002528.7(NTHL1):c.739G>T (p.Ala247Ser)

Gene: NTHL1 (nth like DNA glycosylase 1; minus strand). Cytogenetic location: 16p13.3.
Variant type: single nucleotide variant.
Coding change: c.739G>T on transcript NM_002528.7 (MANE Select); coding-DNA position 739, G replaced by T.
Protein change: p.Ala247Ser; replaces alanine 247 with serine.
Molecular consequence: missense variant.
Genome position (GRCh38, 1-based): chr16:2,040,185, C>A on the plus strand (G>T on the coding strand, the complement: NTHL1 is on the minus strand). VCF-style: chr16-2040185-C-A. GRCh37 (hg19) VCF-style: chr16-2090186-C-A.
Other names: c.568G>T, p.Ala190Ser (NM_001318193.2); c.409G>T, p.Ala137Ser (NM_001318194.2); short protein forms A137S, A190S, A247S.
Identifiers: ClinVar variation 3408217 (VCV003408217.1).
Genomic context (GRCh38, chr16:2,040,185, plus strand): 5'-ACTCATACCTAGGCAGCCACTCCTCCAGGGCGGCGCGGGTCTCCTCTGGGGACTTGGTTG[C>A]CTTCTTGGTCCACCTCAGCCTGTTGGCGATTCTGTGCACATGCGTGTCCACTGCTGCTGG-3'
Protein context (NP_002519.2, residues 237-257): IANRLRWTKK[Ala247Ser]TKSPEETRAA

ClinVar aggregate classification (germline): Uncertain significance (1 of 4 stars; one submission).

Conditions:
Hereditary cancer-predisposing syndrome. Also called: Neoplastic Syndromes, Hereditary; Tumor predisposition; Hereditary Cancer Syndrome; Hereditary neoplastic syndrome. Identifiers: Orphanet 140162, MedGen C0027672, MeSH D009386, MONDO:0015356.

Submission:

Ambry Genetics
Classification: Uncertain significance for Hereditary cancer-predisposing syndrome. Last evaluated: 2024-09-16. Review status: criteria provided, single submitter. Criteria: Ambry Variant Classification Scheme 2023. Collection method: clinical testing. Allele origin: germline.
Comment: The p.A255S variant (also known as c.763G>T), located in coding exon 5 of the NTHL1 gene, results from a G to T substitution at nucleotide position 763. The alanine at codon 255 is replaced by serine, an amino acid with similar properties. This amino acid position is conserved. In addition, this alteration is predicted to be tolerated by in silico analysis. Based on the available evidence, the clinical significance of this variant remains unclear.